The following is an entry in ClinVar:

NM_001040151.2(SCN3B):c.139T>A (p.Ser47Thr)

Gene: SCN3B (sodium voltage-gated channel beta subunit 3; minus strand). Cytogenetic location: 11q24.1.
Variant type: single nucleotide variant.
Coding change: c.139T>A on transcript NM_001040151.2 (MANE Select); coding-DNA position 139, T replaced by A.
Protein change: p.Ser47Thr; replaces serine 47 with threonine.
Molecular consequence: missense variant.
Genome position (GRCh38, 1-based): chr11:123,645,667, A>T on the plus strand (T>A on the coding strand, the complement: SCN3B is on the minus strand). VCF-style: chr11-123645667-A-T. GRCh37 (hg19) VCF-style: chr11-123516375-A-T.
Other names: c.139T>A, p.Ser47Thr (NM_018400.4); short protein forms S47T.
Identifiers: ClinVar variation 2164500 (VCV002164500.4), dbSNP rs2497580255, ClinGen allele CA383073108.

ClinVar aggregate classification (germline): Uncertain significance (1 of 4 stars; one submission).

Conditions:
Brugada syndrome 7 (BRGDA7). Identifiers: Orphanet 130, MedGen C2751088, MONDO:0013146, OMIM 613120.

Submission:

Labcorp Genetics (formerly Invitae), Labcorp
Classification: Uncertain significance for Brugada syndrome 7. Last evaluated: 2022-08-03. Review status: criteria provided, single submitter. Criteria: Invitae Variant Classification Sherloc (09022015). Collection method: clinical testing. Allele origin: germline.
Comment: In summary, the available evidence is currently insufficient to determine the role of this variant in disease. Therefore, it has been classified as a Variant of Uncertain Significance. Algorithms developed to predict the effect of missense changes on protein structure and function are either unavailable or do not agree on the potential impact of this missense change (SIFT: "Tolerated"; PolyPhen-2: "Probably Damaging"; Align-GVGD: "Class C0"). This variant has not been reported in the literature in individuals affected with SCN3B-related conditions. This variant is not present in population databases (gnomAD no frequency). This sequence change replaces serine, which is neutral and polar, with threonine, which is neutral and polar, at codon 47 of the SCN3B protein (p.Ser47Thr).